The following is an entry in ClinVar:

ClinVar aggregate classification (germline): Uncertain significance. Review status: criteria provided, multiple submitters, no conflicts (2 of 4 stars). 3 submissions from 3 submitters: Uncertain significance (2). 1 of the submissions does not count toward it. Last evaluated 2024-03-26.

Conditions:
FAN1-related disorder. Also called: FAN1-related condition.
Karyomegalic interstitial nephritis. Identifiers: Orphanet 401996, MedGen C3553774, MONDO:0013898, OMIM 614817.

Allele frequency attached by ClinVar (database versions not stated): TOPMed below 0.00001; gnomAD exomes 0.00001.
gnomAD v4.1: 3 of 1,613,662 alleles (0.00019%); highest among the groups gnomAD compares: Non-Finnish European, 0.00025%; no homozygotes.

Submissions (3):

Fulgent Genetics
Classification: Uncertain significance for Karyomegalic interstitial nephritis. Last evaluated: 2024-03-26. Review status: criteria provided, single submitter. Criteria: ACMG Guidelines, 2015. Collection method: clinical testing. Allele origin: germline.

Labcorp Genetics (formerly Invitae), Labcorp
Classification: Uncertain significance. Last evaluated: 2022-08-20. Review status: criteria provided, single submitter. Criteria: Invitae Variant Classification Sherloc (09022015). Collection method: clinical testing. Allele origin: germline.
Comment: In summary, the available evidence is currently insufficient to determine the role of this variant in disease. Therefore, it has been classified as a Variant of Uncertain Significance. Algorithms developed to predict the effect of missense changes on protein structure and function (SIFT, PolyPhen-2, Align-GVGD) all suggest that this variant is likely to be tolerated. This variant has not been reported in the literature in individuals affected with FAN1-related conditions. This variant is not present in population databases (gnomAD no frequency). This sequence change replaces alanine, which is neutral and non-polar, with glycine, which is neutral and non-polar, at codon 40 of the FAN1 protein (p.Ala40Gly).

PreventionGenetics, part of Exact Sciences
Classification: Uncertain significance for FAN1-related condition. Last evaluated: 2024-03-27. Review status: no assertion criteria provided. Collection method: clinical testing. Allele origin: germline. Not counted in ClinVar's aggregate classification.
Comment: The FAN1 c.119C>G variant is predicted to result in the amino acid substitution p.Ala40Gly. To our knowledge, this variant has not been reported in the literature or in a large population database, indicating this variant is rare. This variant is interpreted as uncertain significance in Clinvar. At this time, the clinical significance of this variant is uncertain due to the absence of conclusive functional and genetic evidence.

NM_014967.5(FAN1):c.119C>G (p.Ala40Gly)

Gene: FAN1 (FANCD2 and FANCI associated nuclease 1; plus strand). Cytogenetic location: 15q13.3.
Variant type: single nucleotide variant.
Coding change: c.119C>G on transcript NM_014967.5 (MANE Select); coding-DNA position 119, C replaced by G.
Protein change: p.Ala40Gly; replaces alanine 40 with glycine.
Molecular consequence: missense variant.
Genome position (GRCh38, 1-based): chr15:30,904,782, C>G. VCF-style: chr15-30904782-C-G. GRCh37 (hg19) VCF-style: chr15-31196985-C-G.
Other names: c.119C>G, p.Ala40Gly (NM_001146094.2, NM_001146095.1, NM_001146096.2); c.119C>G (NM_014967.4); short protein forms A40G.
Identifiers: ClinVar variation 1935195 (VCV001935195.7), dbSNP rs2061934360, ClinGen allele CA391519792.
Genomic context (GRCh38, chr15:30,904,782, plus strand): 5'-GCAAGAATAAGAAAAAAGCATCTAATTCTATTATTTCGTGTTTTAACAATGCACCACCTG[C>G]TAAACTTGCCTGCCCCGTTTGCAGTAAAATGGTGCCTAGATATGACTTAAACCGGCACCT-3'
Protein context (NP_055782.3, residues 30-50): IISCFNNAPP[Ala40Gly]KLACPVCSKM